The following is an entry in ClinVar:

NM_001371928.1(AHDC1):c.2218C>T (p.Arg740Cys)

Gene: AHDC1 (AT-hook DNA binding motif containing 1; minus strand). Cytogenetic location: 1p36.11.
Variant type: single nucleotide variant.
Coding change: c.2218C>T on transcript NM_001371928.1 (MANE Select); coding-DNA position 2218, C replaced by T.
Protein change: p.Arg740Cys; replaces arginine 740 with cysteine.
Molecular consequence: missense variant.
Genome position (GRCh38, 1-based): chr1:27,549,898, G>A on the plus strand (C>T on the coding strand, the complement: AHDC1 is on the minus strand). VCF-style: chr1-27549898-G-A. GRCh37 (hg19) VCF-style: chr1-27876409-G-A.
Other names: c.2218C>T, p.Arg740Cys (NM_001029882.3); short protein forms R740C.
Identifiers: ClinVar variation 2894284 (VCV002894284.3), dbSNP rs780652723, ClinGen allele CA715807.

ClinVar aggregate classification (germline): Uncertain significance (1 of 4 stars; one submission).

Allele frequency attached by ClinVar (database versions not stated): ExAC 0.00001; gnomAD 0.00001; gnomAD exomes 0.00001; TOPMed 0.00001.
gnomAD v4.1: 21 of 1,613,548 alleles (0.0013%); highest among the groups gnomAD compares: East Asian, 0.0022%; no homozygotes.

Submission:

Labcorp Genetics (formerly Invitae), Labcorp
Classification: Uncertain significance. Last evaluated: 2024-05-15. Review status: criteria provided, single submitter. Criteria: Invitae Variant Classification Sherloc (09022015). Collection method: clinical testing. Allele origin: germline.
Comment: This sequence change replaces arginine, which is basic and polar, with cysteine, which is neutral and slightly polar, at codon 740 of the AHDC1 protein (p.Arg740Cys). This variant is present in population databases (rs780652723, gnomAD 0.01%). This variant has not been reported in the literature in individuals affected with AHDC1-related conditions. An algorithm developed to predict the effect of missense changes on protein structure and function (PolyPhen-2) suggests that this variant is likely to be disruptive. In summary, the available evidence is currently insufficient to determine the role of this variant in disease. Therefore, it has been classified as a Variant of Uncertain Significance.